The following continues an entry in ClinVar:

NM_000257.4(MYH7):c.727C>T (p.Arg243Cys)

Gene: MYH7. ClinVar aggregate classification (germline): Conflicting classifications of pathogenicity. Pathogenic (3); Likely pathogenic (10); Uncertain significance (1).

Submissions 10 to 17 of 17:

Ambry Genetics
Classification: Likely pathogenic for Cardiovascular phenotype. Last evaluated: 2024-02-23. Review status: criteria provided, single submitter. Criteria: Ambry Variant Classification Scheme 2023. Collection method: clinical testing. Allele origin: germline.
Comment: The p.R243C variant (also known as c.727C>T), located in coding exon 6 of the MYH7 gene, results from a C to T substitution at nucleotide position 727. The arginine at codon 243 is replaced by cysteine, an amino acid with highly dissimilar properties. This variant has been reported in association with hypertrophic cardiomyopathy (HCM) (Hirota T et al. J Cardiol, 2010 Jul;56:59-65; Walsh R et al. Genet Med, 2017 Feb;19:192-203; Viswanathan SK et al. PLoS One, 2017 Nov;12:e0187948; Ho CY et al. Circulation, 2018 Oct;138:1387-1398). This alteration is located in the myosin head domain, which contains a statistically significant clustering of pathogenic missense variants (Homburger JR et al. Proc Natl Acad Sci U S A, 2016 06;113:6701-6; Walsh R et al. Genet Med, 2017 02;19:192-203; Ambry internal data). Another alteration at the same codon, p.R243H (c.728G>A), has been identified in multiple probands with left ventricular noncompaction cardiomyopathy (LVNC), dilated cardiomyopathy, and HCM and has been reported to segregate with disease (Klaassen S et al. Circulation, 2008 Jun;117:2893-901; Chang B et al. Mol. Genet. Metab., 2011 Feb;102:200-6; van Waning JI et al. J. Am. Coll. Cardiol., 2018 Feb;71:711-722; Invitae pers. comm.; OMGL pers. comm.). This amino acid position is highly conserved in available vertebrate species. In addition, this alteration is predicted to be deleterious by in silico analysis. Based on the majority of available evidence to date, this variant is likely to be pathogenic.

Laboratory for Molecular Medicine, Mass General Brigham Personalized Medicine
Classification: Uncertain significance for Hypertrophic cardiomyopathy. Last evaluated: 2021-11-19. Review status: criteria provided, single submitter. Criteria: ACMG Guidelines, 2015. Collection method: clinical testing. Allele origin: germline.
Comment: proposed classification - variant undergoing re-assessment, contact laboratory

Fulgent Genetics
Classification: Likely pathogenic for MYH7-related skeletal myopathy; Myosin storage myopathy; Hypertrophic cardiomyopathy 1; Myopathy, myosin storage, autosomal recessive; Congenital myopathy 4A, autosomal dominant; Dilated cardiomyopathy 1S. Last evaluated: 2021-07-01. Review status: criteria provided, single submitter. Criteria: ACMG Guidelines, 2015. Collection method: clinical testing. Allele origin: unknown.

CHEO Genetics Diagnostic Laboratory, Children's Hospital of Eastern Ontario
Classification: Likely pathogenic for Cardiomyopathy. Last evaluated: 2020-12-14. Review status: criteria provided, single submitter. Criteria: ACMG Guidelines, 2015. Collection method: clinical testing. Allele origin: germline.

Juno Genomics, Hangzhou Juno Genomics, Inc
Classification: Likely pathogenic for Hypertrophic cardiomyopathy 1. Review status: criteria provided, single submitter. Criteria: ACMG Guidelines, 2015. Collection method: clinical testing. Allele origin: germline. Affected: yes.
Comment: Absent from controls (or at extremely low frequency if recessive) in Genome Aggregation Database, Exome Sequencing Project, 1000 Genomes Project, or Exome Aggregation Consortium.;Multiple lines of computational evidence support a deleterious effect on the gene or gene product (conservation, evolutionary, splicing impact, etc).;The prevalence of the variant in affected individuals is significantly increased compared to the prevalence in controls.;Located in a mutational hot spot and/or critical and well-established functional domain (e.g. active site of an enzyme) without benign variation.

Genome Diagnostics Laboratory, University Medical Center Utrecht
Classification: Likely pathogenic. Review status: no assertion criteria provided. Collection method: clinical testing. Allele origin: germline. Affected: yes. Study: VKGL Data-share Consensus. Not counted in ClinVar's aggregate classification.

Joint Genome Diagnostic Labs from Nijmegen and Maastricht, Radboudumc and MUMC+
Classification: Pathogenic. Review status: no assertion criteria provided. Collection method: clinical testing. Allele origin: germline. Affected: yes. Study: VKGL Data-share Consensus. Not counted in ClinVar's aggregate classification.

Laboratory of Diagnostic Genome Analysis, Leiden University Medical Center (LUMC)
Classification: Likely pathogenic. Review status: no assertion criteria provided. Collection method: clinical testing. Allele origin: germline. Affected: yes. Study: VKGL Data-share Consensus. Not counted in ClinVar's aggregate classification.

Literature cited by the submitters: PubMed 16267253 (cited by 3billion and Laboratory for Molecular Medicine, Mass General Brigham Personalized Medicine); PubMed 21799269 (cited by 6 submitters); PubMed 27247418 (cited by 6 submitters); PubMed 27532257 (cited by 6 submitters); PubMed 18506004 (cited by Labcorp Genetics (formerly Invitae), Labcorp and Laboratory for Molecular Medicine, Mass General Brigham Personalized Medicine); PubMed 20965760 (cited by Labcorp Genetics (formerly Invitae), Labcorp); PubMed 21551322 (cited by Labcorp Genetics (formerly Invitae), Labcorp); PubMed 30297972 (cited by 4 submitters); PubMed 32815737 (cited by 3 submitters); PubMed 32830170 (cited by 3 submitters); PubMed 33705529 (cited by 3 submitters); PubMed 35653365 (cited by 3 submitters); PubMed 37652022 (cited by Color Diagnostics, LLC DBA Color Health and North West Genomic Laboratory Hub, Manchester University NHS Foundation Trust); PubMed 29300372 (cited by North West Genomic Laboratory Hub, Manchester University NHS Foundation Trust); PubMed 29121657 (cited by 3 submitters); PubMed 36964972 (cited by North West Genomic Laboratory Hub, Manchester University NHS Foundation Trust); PubMed 20350521 (cited by Ambry Genetics); PubMed 25132132 (cited by Ambry Genetics).